The following is an entry in ClinVar:

NM_025144.4(ALPK1):c.1594A>G (p.Arg532Gly)

Gene: ALPK1 (alpha kinase 1; plus strand). Cytogenetic location: 4q25.
Variant type: single nucleotide variant.
Coding change: c.1594A>G on transcript NM_025144.4 (MANE Select); coding-DNA position 1594, A replaced by G.
Protein change: p.Arg532Gly; replaces arginine 532 with glycine.
Molecular consequence: missense variant.
Genome position (GRCh38, 1-based): chr4:112,431,141, A>G. VCF-style: chr4-112431141-A-G. GRCh37 (hg19) VCF-style: chr4-113352297-A-G.
Other names: c.1594A>G, p.Arg532Gly (NM_001102406.2); c.1360A>G, p.Arg454Gly (NM_001253884.2); short protein forms R532G, R454G.
Identifiers: ClinVar variation 1963162 (VCV001963162.5), dbSNP rs762283232, ClinGen allele CA3046756.

ClinVar aggregate classification (germline): Uncertain significance (1 of 4 stars; one submission).

Allele frequency attached by ClinVar (database versions not stated): ExAC 0.00002.
gnomAD v4.1: 3 of 1,614,190 alleles (0.00019%); highest among the groups gnomAD compares: Admixed American, 0.005%; no homozygotes.

Submission:

Labcorp Genetics (formerly Invitae), Labcorp
Classification: Uncertain significance. Last evaluated: 2022-02-04. Review status: criteria provided, single submitter. Criteria: Invitae Variant Classification Sherloc (09022015). Collection method: clinical testing. Allele origin: germline.
Comment: In summary, the available evidence is currently insufficient to determine the role of this variant in disease. Therefore, it has been classified as a Variant of Uncertain Significance. Algorithms developed to predict the effect of missense changes on protein structure and function output the following: SIFT: "Tolerated"; PolyPhen-2: "Benign"; Align-GVGD: "Class C0". The glycine amino acid residue is found in multiple mammalian species, which suggests that this missense change does not adversely affect protein function. This variant has not been reported in the literature in individuals affected with ALPK1-related conditions. This variant is present in population databases (rs762283232, gnomAD 0.009%). This sequence change replaces arginine, which is basic and polar, with glycine, which is neutral and non-polar, at codon 532 of the ALPK1 protein (p.Arg532Gly).